The following is an entry in ClinVar:

NM_023110.3(FGFR1):c.2098C>T (p.Pro700Ser)

Gene: FGFR1 (fibroblast growth factor receptor 1; minus strand). Cytogenetic location: 8p11.23.
Variant type: single nucleotide variant.
Coding change: c.2098C>T on transcript NM_023110.3 (MANE Select); coding-DNA position 2098, C replaced by T.
Protein change: p.Pro700Ser; replaces proline 700 with serine.
Molecular consequence: missense variant.
Genome position (GRCh38, 1-based): chr8:38,414,240, G>A on the plus strand (C>T on the coding strand, the complement: FGFR1 is on the minus strand). VCF-style: chr8-38414240-G-A. GRCh37 (hg19) VCF-style: chr8-38271758-G-A.
Other names: c.2092C>T, p.Pro698Ser (NM_001174063.2, NM_001174065.2, NM_001354367.2 and 1 more transcripts); c.2068C>T, p.Pro690Ser (NM_001174064.2); c.1831C>T, p.Pro611Ser (NM_001174066.2, NM_023105.3); c.2191C>T, p.Pro731Ser (NM_001174067.2); c.1819C>T, p.Pro607Ser (NM_001354368.2); c.2086C>T, p.Pro696Ser (NM_001354369.2, NM_001410922.1); c.1825C>T, p.Pro609Ser (NM_001354370.2, NM_023106.3); short protein forms P607S, P609S, P611S, P690S, P696S, P698S, P700S, P731S.
Identifiers: ClinVar variation 3368981 (VCV003368981.2).

ClinVar aggregate classification (germline): Uncertain significance (1 of 4 stars; one submission).

Submission:

GeneDx
Classification: Uncertain significance. Last evaluated: 2026-09-14. Review status: criteria provided, single submitter. Criteria: GeneDx Variant Classification Process June 2021. Collection method: clinical testing. Allele origin: germline.
Comment: Not observed at significant frequency in large population cohorts (gnomAD); In silico analysis supports that this missense variant has a deleterious effect on protein structure/function; Has not been previously published as pathogenic or benign to our knowledge